The following is an entry in ClinVar:

NM_001267550.2(TTN):c.4445G>A (p.Gly1482Asp)

Genes: TTN (titin; minus strand), LOC101927055 (uncharacterized LOC101927055; plus strand). Cytogenetic location: 2q31.2.
Variant type: single nucleotide variant.
Coding change: c.4445G>A on transcript NM_001267550.2 (MANE Select); coding-DNA position 4445, G replaced by A.
Protein change: p.Gly1482Asp; replaces glycine 1482 with aspartic acid.
Molecular consequence: missense variant. On other transcripts: non-coding transcript variant (1).
Genome position (GRCh38, 1-based): chr2:178,777,739, C>T on the plus strand (G>A on the coding strand, the complement: TTN is on the minus strand). VCF-style: chr2-178777739-C-T. GRCh37 (hg19) VCF-style: chr2-179642466-C-T.
Other names: c.4445G>A, p.Gly1482Asp (NM_001256850.1, NM_133378.4, NM_133379.5); c.4307G>A, p.Gly1436Asp (NM_003319.4, NM_133432.3, NM_133437.4); short protein forms G1436D, G1482D.
Identifiers: ClinVar variation 5006165 (VCV005006165.2).

ClinVar aggregate classification (germline): Uncertain significance (1 of 4 stars; one submission).

Conditions:
Hypertrophic cardiomyopathy 9. Also called: Familial hypertrophic cardiomyopathy 9. Identifiers: MedGen C1861065, MONDO:0013412, OMIM 613765.
Myopathy, myofibrillar, 9, with early respiratory failure (MFM9). Also called: Hereditary myopathy with early respiratory failure; EDSTROM MYOPATHY; MYOPATHY, PROXIMAL, WITH EARLY RESPIRATORY MUSCLE INVOLVEMENT; Myopathy, distal, with early respiratory failure, autosomal dominant. Identifiers: Orphanet 178464, Orphanet 34521, MedGen C1863599, MONDO:0011362, OMIM 603689.
Early-onset myopathy with fatal cardiomyopathy (CMYO5). Also called: CONGENITAL MYOPATHY 5 WITH CARDIOMYOPATHY; Salih Myopathy. Identifiers: Orphanet 289377, MedGen C2673677, MONDO:0012714, OMIM 611705. Disease mechanism: loss of function.
Autosomal recessive limb-girdle muscular dystrophy type 2J (LGMDR10). Also called: Limb-girdle muscular dystrophy, type 2J; MUSCULAR DYSTROPHY, LIMB-GIRDLE, AUTOSOMAL RECESSIVE 10. Identifiers: Orphanet 140922, MedGen C1837342, MONDO:0012127, OMIM 608807.
Dilated cardiomyopathy 1G (CMD1G). Identifiers: Orphanet 154, MedGen C1858763, MONDO:0011400, OMIM 604145.
Tibial muscular dystrophy (TMD). Also called: UDD MYOPATHY; Udd Distal Myopathy – Tibial Muscular Dystrophy; Tibial muscular dystrophy, tardive. Identifiers: Orphanet 609, MedGen C1838244, MONDO:0010870, OMIM 600334.

Submission:

Juno Genomics, Hangzhou Juno Genomics, Inc
Classification: Uncertain significance for Tibial muscular dystrophy; Early-onset myopathy with fatal cardiomyopathy; Dilated cardiomyopathy 1G; Hypertrophic cardiomyopathy 9; Autosomal recessive limb-girdle muscular dystrophy type 2J; Myopathy, myofibrillar, 9, with early respiratory failure. Review status: criteria provided, single submitter. Criteria: ACMG Guidelines, 2015. Collection method: clinical testing. Allele origin: germline.
Comment: Absent from controls (or at extremely low frequency if recessive) in Genome Aggregation Database.;Missense variant in a gene that has a low rate of benign missense variation.;Multiple lines of computational evidence support a deleterious effect on the gene or gene product.